The following is an entry in ClinVar:

ClinVar aggregate classification (germline): Pathogenic (1 of 4 stars; one submission).

Conditions:
Parathyroid carcinoma (PRTC). Also called: CDC73-Related Parathyroid Carcinoma; Parathyroid gland carcinoma. Identifiers: Orphanet 143, MedGen C0687150, MONDO:0012004, OMIM 608266, HP:0006780.

Submission:

Labcorp Genetics (formerly Invitae), Labcorp
Classification: Pathogenic for Parathyroid carcinoma. Last evaluated: 2016-04-21. Review status: criteria provided, single submitter. Criteria: Invitae Variant Classification Sherloc (09022015). Collection method: clinical testing. Allele origin: germline.
Comment: For these reasons, this variant has been classified as Pathogenic. Truncating variants in CDC73 are known to be pathogenic. A deletion of exon 3 has been reported in the literature in an individual affected with primary hyperparathyroidism (PMID:¬†2329331). This variant is a gross deletion of the genomic region encompassing exon 3 of the CDC73 gene. This creates a premature translational stop signal and is expected to result in an absent or disrupted protein product.

NC_000001.10:g.(?_193099298)_(193099379_?)del

Gene: CDC73 (cell division cycle 73; plus strand). Cytogenetic location: 1q31.2.
Variant type: Deletion.
Identifiers: ClinVar variation 1069682 (VCV001069682.3).